The following is an entry in ClinVar:

ClinVar aggregate classification (germline): Uncertain significance (1 of 4 stars; one submission).

Conditions:
Telangiectasia, hereditary hemorrhagic, type 2 (HHT2). Also called: ACVRL1-Related Hereditary Hemorrhagic Telangiectasia; Telangiectasia, hereditary hemorrhagic, type II. Identifiers: Orphanet 774, MedGen C1838163, MONDO:0010880, OMIM 600376. Disease mechanism: loss of function.

Submission:

Labcorp Genetics (formerly Invitae), Labcorp
Classification: Uncertain significance for Telangiectasia, hereditary hemorrhagic, type 2. Last evaluated: 2023-11-02. Review status: criteria provided, single submitter. Criteria: Invitae Variant Classification Sherloc (09022015). Collection method: clinical testing. Allele origin: germline.
Comment: This sequence change replaces leucine, which is neutral and non-polar, with valine, which is neutral and non-polar, at codon 250 of the ACVRL1 protein (p.Leu250Val). This variant is not present in population databases (gnomAD no frequency). This variant has not been reported in the literature in individuals affected with ACVRL1-related conditions. Advanced modeling of protein sequence and biophysical properties (such as structural, functional, and spatial information, amino acid conservation, physicochemical variation, residue mobility, and thermodynamic stability) has been performed at Invitae for this missense variant, however the output from this modeling did not meet the statistical confidence thresholds required to predict the impact of this variant on ACVRL1 protein function. In summary, the available evidence is currently insufficient to determine the role of this variant in disease. Therefore, it has been classified as a Variant of Uncertain Significance.

NM_000020.3(ACVRL1):c.748T>G (p.Leu250Val)

Gene: ACVRL1 (activin A receptor like type 1; plus strand). Cytogenetic location: 12q13.13.
Variant type: single nucleotide variant.
Coding change: c.748T>G on transcript NM_000020.3 (MANE Select); coding-DNA position 748, T replaced by G.
Protein change: p.Leu250Val; replaces leucine 250 with valine.
Molecular consequence: missense variant.
Genome position (GRCh38, 1-based): chr12:51,914,561, T>G. VCF-style: chr12-51914561-T-G. GRCh37 (hg19) VCF-style: chr12-52308345-T-G.
Other names: c.748T>G, p.Leu250Val (NM_001077401.2, NM_001406487.1, NM_001406488.1 and 1 more transcripts); c.436T>G, p.Leu146Val (NM_001406490.1, NM_001406491.1, NM_001406492.1 and 2 more transcripts); c.184T>G, p.Leu62Val (NM_001406495.1); short protein forms L146V, L62V, L250V.
Identifiers: ClinVar variation 2692614 (VCV002692614.3), dbSNP rs901805624, ClinGen allele CA384900213.